The following is an entry in ClinVar:

NM_001170535.3(ATAD3A):c.1739G>A (p.Gly580Glu)

Gene: ATAD3A (ATPase family AAA domain containing 3A; plus strand). Cytogenetic location: 1p36.33.
Variant type: single nucleotide variant.
Coding change: c.1739G>A on transcript NM_001170535.3 (MANE Select); coding-DNA position 1739, G replaced by A.
Protein change: p.Gly580Glu; replaces glycine 580 with glutamic acid.
Molecular consequence: missense variant.
Genome position (GRCh38, 1-based): chr1:1,534,050, G>A. VCF-style: chr1-1534050-G-A. GRCh37 (hg19) VCF-style: chr1-1469430-G-A.
Other names: c.1502G>A, p.Gly501Glu (NM_001170536.3); c.1883G>A, p.Gly628Glu (NM_018188.5); short protein forms G628E, G580E, G501E.
Identifiers: ClinVar variation 2406103 (VCV002406103.2), dbSNP rs780466211, ClinGen allele CA526574.

ClinVar aggregate classification (germline): Uncertain significance (1 of 4 stars; one submission).

Conditions:
Inborn genetic diseases. Identifiers: MedGen C0950123, MeSH D030342.

Allele frequency attached by ClinVar (database versions not stated): ExAC 0.00002.

Submission:

Ambry Genetics
Classification: Uncertain significance for Inborn genetic diseases. Last evaluated: 2021-03-25. Review status: criteria provided, single submitter. Criteria: Ambry Variant Classification Scheme 2023. Collection method: clinical testing. Allele origin: germline.
Comment: The c.1883G>A (p.G628E) alteration is located in exon 16 (coding exon 16) of the ATAD3A gene. This alteration results from a G to A substitution at nucleotide position 1883, causing the glycine (G) at amino acid position 628 to be replaced by a glutamic acid (E). The p.G628E alteration is predicted to be tolerated by in silico analysis. Based on insufficient or conflicting evidence, the clinical significance of this alteration remains unclear.